The following is an entry in ClinVar:

ClinVar aggregate classification (germline): Benign. Review status: criteria provided, multiple submitters, no conflicts (2 of 4 stars). 3 submissions from 3 submitters: Benign (3). Last evaluated 2023-03-01.

Allele frequency attached by ClinVar (database versions not stated): 1000 Genomes Project 30x 0.00125; 1000 Genomes Project 0.00140; ExAC 0.00277; gnomAD exomes 0.00303; gnomAD 0.00359 and 0.00365; TOPMed 0.00378; ESP Exome Variant Server 0.00423.
gnomAD v4.1: 7,975 of 1,614,080 alleles (0.49%); highest among the groups gnomAD compares: Non-Finnish European, 0.6%; 25 homozygotes.

Submissions (3):

CeGaT Center for Human Genetics Tuebingen
Classification: Benign. Last evaluated: 2023-03-01. Review status: criteria provided, single submitter. Criteria: CeGaT Center For Human Genetics Tuebingen Variant Classification Criteria Version 2. Collection method: clinical testing. Allele origin: germline. Affected: yes. Observed: 1 variant allele.
Comment: TRPM2: BP4, BS1, BS2

Labcorp Genetics (formerly Invitae), Labcorp
Classification: Benign. Last evaluated: 2019-12-31. Review status: criteria provided, single submitter. Criteria: Invitae Variant Classification Sherloc (09022015). Collection method: clinical testing. Allele origin: germline.

Breakthrough Genomics
Classification: Benign. Review status: criteria provided, single submitter. Criteria: ACMG Guidelines, 2015. Collection method: not provided. Allele origin: germline. Inheritance: Unknown mechanism. Affected: yes.

NM_003307.4(TRPM2):c.3796-6C>T

Gene: TRPM2 (transient receptor potential cation channel subfamily M member 2; plus strand). Cytogenetic location: 21q22.3.
Variant type: single nucleotide variant.
Coding change: c.3796-6C>T on transcript NM_003307.4 (MANE Select); 6 bases into the intron before coding-DNA position 3796, C replaced by T.
Molecular consequence: intron variant.
Genome position (GRCh38, 1-based): chr21:44,426,654, C>T. VCF-style: chr21-44426654-C-T. GRCh37 (hg19) VCF-style: chr21-45846537-C-T.
Other names: c.3946-6C>T (NM_001320350.2); c.3796-6C>T (NM_001320351.2); c.-20-46C>T (NM_001320352.3).
Identifiers: ClinVar variation 720459 (VCV000720459.29), dbSNP rs117548537, ClinGen allele CA10055629.